The following is an entry in ClinVar:

ClinVar aggregate classification (germline): Likely pathogenic (1 of 4 stars; one submission).

Conditions:
Amelocerebrohypohidrotic syndrome (KTZS). Also called: EPILEPSY AND YELLOW TEETH; EPILEPSY, DEMENTIA, AND AMELOGENESIS IMPERFECTA; KOHLSCHUTTER SYNDROME; Kohlschutter's syndrome. Identifiers: Orphanet 1946, MedGen C0406740, MONDO:0009185, OMIM 226750.

Allele frequency attached by ClinVar (database versions not stated): gnomAD exomes below 0.00001; ExAC 0.00001.

Submission:

Labcorp Genetics (formerly Invitae), Labcorp
Classification: Likely pathogenic for Amelocerebrohypohidrotic syndrome. Last evaluated: 2026-01-12. Review status: criteria provided, single submitter. Criteria: Invitae Variant Classification Sherloc (09022015). Collection method: clinical testing. Allele origin: germline.
Comment: This sequence change affects an acceptor splice site in intron 5 of the ROGDI gene. It is expected to disrupt RNA splicing. Variants that disrupt the donor or acceptor splice site typically lead to a loss of protein function (PMID: 16199547), and loss-of-function variants in ROGDI are known to be pathogenic (PMID: 22424600, 23086778). This variant is present in population databases (rs774701696, gnomAD 0.0009%). This variant has not been reported in the literature in individuals affected with ROGDI-related conditions. ClinVar contains an entry for this variant (Variation ID: 1489853). Algorithms developed to predict the effect of sequence changes on RNA splicing suggest that this variant may disrupt the consensus splice site. In summary, the currently available evidence indicates that the variant is pathogenic, but additional data are needed to prove that conclusively. Therefore, this variant has been classified as Likely Pathogenic.

Literature cited by the submitters: PubMed 16199547; PubMed 22424600; PubMed 23086778.

NM_024589.3(ROGDI):c.337-2A>G

Gene: ROGDI (rogdi atypical leucine zipper; minus strand). Cytogenetic location: 16p13.3.
Variant type: single nucleotide variant.
Coding change: c.337-2A>G on transcript NM_024589.3 (MANE Select); the canonical splice acceptor site of the intron before coding-DNA position 337, A replaced by G.
Molecular consequence: splice acceptor variant.
Genome position (GRCh38, 1-based): chr16:4,799,783, T>C on the plus strand (A>G on the coding strand, the complement: ROGDI is on the minus strand). VCF-style: chr16-4799783-T-C. GRCh37 (hg19) VCF-style: chr16-4849784-T-C.
Identifiers: ClinVar variation 1489853 (VCV001489853.6), dbSNP rs774701696, ClinGen allele CA7882769.